The following is an entry in ClinVar:

NM_206933.4(USH2A):c.6998T>C (p.Val2333Ala)

Gene: USH2A (usherin; minus strand). Cytogenetic location: 1q41.
Variant type: single nucleotide variant.
Coding change: c.6998T>C on transcript NM_206933.4 (MANE Select); coding-DNA position 6998, T replaced by C.
Protein change: p.Val2333Ala; replaces valine 2333 with alanine.
Molecular consequence: missense variant.
Genome position (GRCh38, 1-based): chr1:215,965,439, A>G on the plus strand (T>C on the coding strand, the complement: USH2A is on the minus strand). VCF-style: chr1-215965439-A-G. GRCh37 (hg19) VCF-style: chr1-216138781-A-G.
Other names: short protein forms V2333A.
Identifiers: ClinVar variation 517500 (VCV000517500.25), dbSNP rs144817385, ClinGen allele CA1394971.

ClinVar aggregate classification (germline): Conflicting classifications of pathogenicity. Review status: criteria provided, conflicting classifications (1 of 4 stars). 9 submissions from 9 submitters: Uncertain significance (4); Likely benign (3). 2 of the submissions do not count toward it. Last evaluated 2026-06-24.

Conditions:
USH2A-related disorder. Also called: USH2A-related condition; USH2A-related disorders. Identifiers: MedGen CN239332.
Retinal dystrophy. Also called: Inherited retinal dystrophy. Identifiers: Orphanet 71862, MedGen C0854723, MeSH D058499, MONDO:0019118, HP:0000556.

Allele frequency attached by ClinVar (database versions not stated): ESP Exome Variant Server 0.00008; gnomAD exomes 0.00013 and 0.00040; gnomAD 0.00020 and 0.00025; TOPMed 0.00028; ExAC 0.00033; 1000 Genomes Project 30x 0.00141; 1000 Genomes Project 0.00160.
gnomAD v4.1: 245 of 1,613,778 alleles (0.015%); highest among the groups gnomAD compares: East Asian, 0.35%; no homozygotes.

Submissions (9):

PreventionGenetics, part of Exact Sciences
Classification: Uncertain significance for USH2A-related condition. Last evaluated: 2026-06-24. Review status: criteria provided, single submitter. Criteria: ACMG Guidelines, 2015. Collection method: clinical testing. Allele origin: germline.
Comment: The USH2A c.6998T>C variant is predicted to result in the amino acid substitution p.Val2333Ala. This variant was reported in multiple individuals with retinitis pigmentosa (see for example: Table S4, Xu et al. 2014. PubMed ID: 24938718; Supplemental T3, Sun et al. 2018. PubMed ID: 29625443; Table S2, Gao et al. 2019. PubMed ID: 31054281). This variant is reported in 0.48% of alleles in individuals of East Asian descent in gnomAD, which may be too frequent to be a primary cause of disease. Although we suspect that this variant may be benign, at this time, the clinical significance of this variant is uncertain due to the absence of conclusive functional and genetic evidence.

Myriad Genetics, Inc.
Classification: Uncertain significance for USH2A-related disorder. Last evaluated: 2026-05-27. Review status: criteria provided, single submitter. Criteria: Myriad Autosomal Dominant, Autosomal Recessive and X-Linked Classification Criteria (2023). Collection method: clinical testing. Allele origin: unknown.
Comment: NM_206933.2(USH2A):c.6998T>C(V2333A) is a missense variant classified as a variant of uncertain significance in the context of USH2A-related disorders. V2333A has been observed in cases with relevant disease (PMID: 29625443, 24938718, 31054281, 32188678, 32675063, 30948794, 38195571, 29899460, 36110214). Relevant functional assessments of this variant are not available in the literature. V2333A has been observed in referenced population frequency databases. In summary, there is insufficient evidence to classify NM_206933.2(USH2A):c.6998T>C(V2333A) as pathogenic or benign. Please note: this variant was assessed in the context of healthy population screening.

Labcorp Genetics (formerly Invitae), Labcorp
Classification: Likely benign. Last evaluated: 2026-01-28. Review status: criteria provided, single submitter. Criteria: Invitae Variant Classification Sherloc (09022015). Collection method: clinical testing. Allele origin: germline.

Blueprint Genetics
Classification: Likely benign. Last evaluated: 2024-10-22. Review status: criteria provided, single submitter. Criteria: ACMG Guidelines, 2015. Collection method: clinical testing. Allele origin: germline.

GeneDx
Classification: Uncertain significance. Last evaluated: 2021-08-05. Review status: criteria provided, single submitter. Criteria: GeneDx Variant Classification Process June 2021. Collection method: clinical testing. Allele origin: germline. Affected: yes.
Comment: Identified with other USH2A variants in individuals with hearing loss and/or retinitis pigmentosa in published literature (Sun et al., 2018; Ng et al., 2019; Xu et al., 2014; Yuan Y et al., 2020); In silico analysis, which includes protein predictors and evolutionary conservation, supports that this variant does not alter protein structure/function; This variant is associated with the following publications: (PMID: 31541171, 31054281, 29625443, 24938718, 30948794)

Institute of Human Genetics, Univ. Regensburg, Univ. Regensburg
Classification: Uncertain significance for Retinal dystrophy. Last evaluated: 2019-01-01. Review status: criteria provided, single submitter. Criteria: ACMG Guidelines, 2015. Collection method: clinical testing. Allele origin: germline. Affected: yes.

Laboratory for Molecular Medicine, Mass General Brigham Personalized Medicine
Classification: Likely benign. Last evaluated: 2017-08-30. Review status: criteria provided, single submitter. Criteria: LMM Criteria. Collection method: clinical testing. Allele origin: germline. Observed: 1 variant allele.
Comment: p.Val233Ala in exon 37 of USH2A: This variant is not expected to have clinical s ignificance because it has been identified in 0.46% (87/18850) of East Asian chr omosomes by the Genome Aggregation Database (gnomAD, e.org/; dbSNP rs144817385).

Clinical Genetics DNA and cytogenetics Diagnostics Lab, Erasmus MC, Erasmus Medical Center
Classification: Uncertain significance. Review status: no assertion criteria provided. Collection method: clinical testing. Allele origin: germline. Affected: yes. Study: VKGL Data-share Consensus. Not counted in ClinVar's aggregate classification.

Laboratory of Diagnostic Genome Analysis, Leiden University Medical Center (LUMC)
Classification: Uncertain significance. Review status: no assertion criteria provided. Collection method: clinical testing. Allele origin: germline. Affected: yes. Study: VKGL Data-share Consensus. Not counted in ClinVar's aggregate classification.

Literature cited by the submitters: PubMed 24938718 (cited by 3 submitters); PubMed 29625443 (cited by Myriad Genetics, Inc. and Institute of Human Genetics, Univ. Regensburg, Univ. Regensburg); PubMed 29899460 (cited by Myriad Genetics, Inc.); PubMed 30948794 (cited by Myriad Genetics, Inc.); PubMed 31054281 (cited by Myriad Genetics, Inc. and Institute of Human Genetics, Univ. Regensburg, Univ. Regensburg); PubMed 32188678 (cited by Myriad Genetics, Inc. and Institute of Human Genetics, Univ. Regensburg, Univ. Regensburg); PubMed 32675063 (cited by Myriad Genetics, Inc. and Institute of Human Genetics, Univ. Regensburg, Univ. Regensburg); PubMed 36110214 (cited by Myriad Genetics, Inc.); PubMed 38195571 (cited by Myriad Genetics, Inc.).